The following is an entry in ClinVar:

ClinVar aggregate classification (germline): Pathogenic (1 of 4 stars; one submission).

Conditions:
AARS2-related disorder. Also called: AARS2-related condition; AARS2-related disorders. Identifiers: MedGen CN381518, MONDO:1060240.

Allele frequency attached by ClinVar (database versions not stated): ExAC 0.00001; gnomAD exomes 0.00002.
gnomAD v4.1: 25 of 1,614,132 alleles (0.0015%); highest among the groups gnomAD compares: Non-Finnish European, 0.0021%; no homozygotes.

Submission:

Women's Health and Genetics/Laboratory Corporation of America, LabCorp
Classification: Pathogenic for AARS2-Related Disorders. Last evaluated: 2023-08-31. Review status: criteria provided, single submitter. Criteria: LabCorp Variant Classification Summary - May 2015. Collection method: clinical testing. Allele origin: germline.
Comment: Variant summary: AARS2 c.2308C>T (p.Gln770X) results in a premature termination codon, predicted to cause absence of the protein due to nonsense mediated decay, which is a commonly known mechanism for disease. The variant allele was found at a frequency of 1.2e-05 in 250896 control chromosomes (gnomAD). To our knowledge, no occurrence of c.2308C>T in individuals affected with AARS2-Related Disorders and no experimental evidence demonstrating its impact on protein function have been reported. No submitters have cited clinical-significance assessments for this variant to ClinVar after 2014. Based on the evidence outlined above, the variant was classified as pathogenic.

NM_020745.4(AARS2):c.2308C>T (p.Gln770Ter)

Gene: AARS2 (alanyl-tRNA synthetase 2, mitochondrial; minus strand). Cytogenetic location: 6p21.1.
Variant type: single nucleotide variant.
Coding change: c.2308C>T on transcript NM_020745.4 (MANE Select); coding-DNA position 2308, C replaced by T.
Protein change: p.Gln770Ter; replaces glutamine 770 with a stop codon.
Molecular consequence: nonsense.
Genome position (GRCh38, 1-based): chr6:44,302,858, G>A on the plus strand (C>T on the coding strand, the complement: AARS2 is on the minus strand). VCF-style: chr6-44302858-G-A. GRCh37 (hg19) VCF-style: chr6-44270595-G-A.
Other names: short protein forms Q770*.
Identifiers: ClinVar variation 2581473 (VCV002581473.1), dbSNP rs747313011, ClinGen allele CA3834023.
Genomic context (GRCh38, chr6:44,302,858, plus strand): 5'-TGACCTGCTGGGCCTGCTCCCCAGTGACGGCCAGCAGGCGGGTAGTGCCCTTGGAAAGCT[G>A]GCGGTCCCCGATGATAACCAGGTCCCCTACAGCCCCAGTACGTAACAGGTGCCTGTGGGA-3'